The following is an entry in ClinVar:

ClinVar aggregate classification (germline): Uncertain significance (1 of 4 stars; one submission).

gnomAD v4.1: 7 of 1,611,664 alleles (0.00043%); highest among the groups gnomAD compares: Admixed American, 0.01%; no homozygotes.

Submission:

Women's Health and Genetics/Laboratory Corporation of America, LabCorp
Classification: Uncertain significance. Last evaluated: 2025-12-29. Review status: criteria provided, single submitter. Criteria: LabCorp Variant Classification Summary - May 2015. Collection method: clinical testing. Allele origin: germline.
Comment: Variant summary: TLK2 c.2080-10T>A alters a nucleotide located at a position not widely known to affect splicing. Several computational tools predict a significant impact on normal splicing: One predicts the variant abolishes a 3' acceptor site. Two predict the variant weakens a 3' acceptor site. One predicts the variant has no significant impact on splicing. However, these predictions have yet to be confirmed by functional studies. The variant was absent in 248916 control chromosomes. The available data on variant occurrences in the general population are insufficient to allow any conclusion about variant significance. To our knowledge, no occurrence of c.2080-10T>A in individuals affected with TLK2-related conditions and no experimental evidence demonstrating its impact on protein function have been reported. No submitters have cited clinical-significance assessments for this variant to ClinVar. Based on the evidence outlined above, the variant was classified as uncertain significance.

NM_006852.6(TLK2):c.2080-10T>A

Gene: TLK2 (tousled like kinase 2; plus strand). Cytogenetic location: 17q23.2.
Variant type: single nucleotide variant.
Coding change: c.2080-10T>A on transcript NM_006852.6 (MANE Select); 10 bases into the intron before coding-DNA position 2080, T replaced by A.
Molecular consequence: intron variant.
Genome position (GRCh38, 1-based): chr17:62,612,382, T>A. VCF-style: chr17-62612382-T-A. GRCh37 (hg19) VCF-style: chr17-60689743-T-A.
Other names: c.2080-10T>A (NM_001375271.1, NM_001375270.1); c.1984-10T>A (NM_001438204.1, NM_001375272.1, NM_001438203.1 and 1 more transcripts); c.1633-10T>A (NM_001375273.1, NM_001330418.3); c.1795-10T>A (NM_001411074.1); c.1891-10T>A (NM_001438205.1); c.2146-10T>A (NM_001284333.3); c.2122-10T>A (NM_001375269.1).
Identifiers: ClinVar variation 4688724 (VCV004688724.1).